The following is an entry in ClinVar:

ClinVar aggregate classification (germline): Uncertain significance (1 of 4 stars; one submission).

Conditions:
Joubert syndrome. Also called: CEREBELLOPARENCHYMAL DISORDER IV; JOUBERT-BOLTSHAUSER SYNDROME; Familial aplasia of the vermis. Identifiers: Orphanet 475, MedGen C5979921, MONDO:0018772.

Allele frequency attached by ClinVar (database versions not stated): gnomAD 0.00001; TOPMed 0.00001.
gnomAD v4.1: 1 of 1,613,830 alleles (0.000062%); highest among the groups gnomAD compares: Admixed American, 0.0017%; no homozygotes.

Submission:

Labcorp Genetics (formerly Invitae), Labcorp
Classification: Uncertain significance for Joubert syndrome. Last evaluated: 2023-10-13. Review status: criteria provided, single submitter. Criteria: Invitae Variant Classification Sherloc (09022015). Collection method: clinical testing. Allele origin: germline.
Comment: This sequence change replaces aspartic acid, which is acidic and polar, with valine, which is neutral and non-polar, at codon 151 of the AHI1 protein (p.Asp151Val). This variant is not present in population databases (gnomAD no frequency). This variant has not been reported in the literature in individuals affected with AHI1-related conditions. ClinVar contains an entry for this variant (Variation ID: 1928430). Advanced modeling of protein sequence and biophysical properties (such as structural, functional, and spatial information, amino acid conservation, physicochemical variation, residue mobility, and thermodynamic stability) performed at Invitae indicates that this missense variant is not expected to disrupt AHI1 protein function. In summary, the available evidence is currently insufficient to determine the role of this variant in disease. Therefore, it has been classified as a Variant of Uncertain Significance.

NM_001134831.2(AHI1):c.452A>T (p.Asp151Val)

Gene: AHI1 (Abelson helper integration site 1; minus strand). Cytogenetic location: 6q23.3.
Variant type: single nucleotide variant.
Coding change: c.452A>T on transcript NM_001134831.2 (MANE Select); coding-DNA position 452, A replaced by T.
Protein change: p.Asp151Val; replaces aspartic acid 151 with valine.
Molecular consequence: missense variant.
Genome position (GRCh38, 1-based): chr6:135,466,111, T>A on the plus strand (A>T on the coding strand, the complement: AHI1 is on the minus strand). VCF-style: chr6-135466111-T-A. GRCh37 (hg19) VCF-style: chr6-135787249-T-A.
Other names: c.452A>T, p.Asp151Val (NM_001134830.2, NM_001134832.2, NM_001350503.2 and 2 more transcripts); short protein forms D151V.
Identifiers: ClinVar variation 1928430 (VCV001928430.5), dbSNP rs1219216271, ClinGen allele CA365751638.